The following is an entry in ClinVar:

NM_002335.4(LRP5):c.1776A>T (p.Lys592Asn)

Gene: LRP5 (LDL receptor related protein 5; plus strand). Cytogenetic location: 11q13.2.
Variant type: single nucleotide variant.
Coding change: c.1776A>T on transcript NM_002335.4 (MANE Select); coding-DNA position 1776, A replaced by T.
Protein change: p.Lys592Asn; replaces lysine 592 with asparagine.
Molecular consequence: missense variant. On other transcripts: 5 prime UTR variant (1).
Genome position (GRCh38, 1-based): chr11:68,403,674, A>T. VCF-style: chr11-68403674-A-T. GRCh37 (hg19) VCF-style: chr11-68171142-A-T.
Other names: c.-162A>T (NM_001291902.2); short protein forms K592N.
Identifiers: ClinVar variation 1918286 (VCV001918286.5), dbSNP rs2496699450, ClinGen allele CA381614681.
Genomic context (GRCh38, chr11:68,403,674, plus strand): 5'-CAAGGTCAAGGCCAGCCGGGACGTCATCATTGACCAGCTGCCCGACCTGATGGGGCTCAA[A>T]GCTGTGAATGTGGCCAAGGTCGTCGGTGAGTCCGGGGGGTCCCAAGCCATGGCTCAGCCA-3'
Protein context (NP_002326.2, residues 582-602): IDQLPDLMGL[Lys592Asn]AVNVAKVVGT

ClinVar aggregate classification (germline): Uncertain significance (1 of 4 stars; one submission).

Submission:

Labcorp Genetics (formerly Invitae), Labcorp
Classification: Uncertain significance. Last evaluated: 2022-09-27. Review status: criteria provided, single submitter. Criteria: Invitae Variant Classification Sherloc (09022015). Collection method: clinical testing. Allele origin: germline.
Comment: This sequence change replaces lysine, which is basic and polar, with asparagine, which is neutral and polar, at codon 592 of the LRP5 protein (p.Lys592Asn). In summary, the available evidence is currently insufficient to determine the role of this variant in disease. Therefore, it has been classified as a Variant of Uncertain Significance. Algorithms developed to predict the effect of missense changes on protein structure and function (SIFT, PolyPhen-2, Align-GVGD) all suggest that this variant is likely to be disruptive. This variant has not been reported in the literature in individuals affected with LRP5-related conditions. This variant is not present in population databases (gnomAD no frequency).